The following is an entry in ClinVar:

ClinVar aggregate classification (germline): Pathogenic (1 of 4 stars; one submission).

Conditions:
Polyglucosan body myopathy type 2. Identifiers: Orphanet 456369, MedGen C4015452, MONDO:0014526, OMIM 616199.
Glycogen storage disease XV (GSD15). Also called: GLYCOGENIN DEFICIENCY; GSD XV. Identifiers: Orphanet 263297, MedGen C3150754, MONDO:0013291, OMIM 613507.

gnomAD v4.1: 5 of 1,613,656 alleles (0.00031%); highest among the groups gnomAD compares: South Asian, 0.0033%; no homozygotes.

Submission:

Labcorp Genetics (formerly Invitae), Labcorp
Classification: Pathogenic for Polyglucosan body myopathy type 2; Glycogen storage disease XV. Last evaluated: 2024-08-29. Review status: criteria provided, single submitter. Criteria: Invitae Variant Classification Sherloc (09022015). Collection method: clinical testing. Allele origin: germline.
Comment: This sequence change creates a premature translational stop signal (p.Tyr146*) in the GYG1 gene. It is expected to result in an absent or disrupted protein product. Loss-of-function variants in GYG1 are known to be pathogenic (PMID: 20357282, 25272951). This variant is present in population databases (rs528341533, gnomAD 0.0009%). This variant has not been reported in the literature in individuals affected with GYG1-related conditions. For these reasons, this variant has been classified as Pathogenic.

Literature cited by the submitters: PubMed 20357282; PubMed 25272951.

NM_004130.4(GYG1):c.438C>A (p.Tyr146Ter)

Gene: GYG1 (glycogenin 1; plus strand). Cytogenetic location: 3q24.
Variant type: single nucleotide variant.
Coding change: c.438C>A on transcript NM_004130.4 (MANE Select); coding-DNA position 438, C replaced by A.
Protein change: p.Tyr146Ter; replaces tyrosine 146 with a stop codon.
Molecular consequence: nonsense.
Genome position (GRCh38, 1-based): chr3:148,996,861, C>A. VCF-style: chr3-148996861-C-A. GRCh37 (hg19) VCF-style: chr3-148714648-C-A.
Other names: c.438C>A, p.Tyr146Ter (NM_001184720.2, NM_001184721.2); short protein forms Y146*.
Identifiers: ClinVar variation 3763958 (VCV003763958.1).